The following is an entry in ClinVar:

ClinVar aggregate classification (germline): Uncertain significance (1 of 4 stars; one submission).

Allele frequency attached by ClinVar (database versions not stated): gnomAD exomes below 0.00001.
gnomAD v4.1: 5 of 1,610,432 alleles (0.00031%); highest among the groups gnomAD compares: South Asian, 0.0011%; no homozygotes.

Submission:

Centre of Medical Genetics, University Hospital Muenster
Classification: Uncertain significance. Last evaluated: 2022-08-25. Review status: criteria provided, single submitter. Criteria: ACMG Guidelines, 2015. Collection method: clinical testing. Allele origin: unknown. Affected: yes. Observed: 1 variant allele, 1 heterozygote.
Comment: ACMG categories: PM2,BP4

NM_001385012.1(NBEA):c.6767G>A (p.Arg2256Gln)

Gene: NBEA (neurobeachin; plus strand). Cytogenetic location: 13q13.3.
Variant type: single nucleotide variant.
Coding change: c.6767G>A on transcript NM_001385012.1 (MANE Select); coding-DNA position 6767, G replaced by A.
Protein change: p.Arg2256Gln; replaces arginine 2256 with glutamine.
Molecular consequence: missense variant.
Genome position (GRCh38, 1-based): chr13:35,550,993, G>A. VCF-style: chr13-35550993-G-A. GRCh37 (hg19) VCF-style: chr13-36125130-G-A.
Other names: c.146G>A, p.Arg49Gln (NM_001204197.3); c.6758G>A, p.Arg2253Gln (NM_001379245.1); c.6767G>A, p.Arg2256Gln (NM_015678.5); short protein forms R2253Q, R2256Q, R49Q.
Identifiers: ClinVar variation 2430322 (VCV002430322.2), dbSNP rs2549714840, ClinGen allele CA387986065.